The following is an entry in ClinVar:

ClinVar aggregate classification (germline): Uncertain significance (1 of 4 stars; one submission).

Conditions:
Ullrich congenital muscular dystrophy 2 (UCMD2). Identifiers: Orphanet 75840, MedGen C4225314, MONDO:0014654, OMIM 616470.
Bethlem myopathy 2 (BTHLM2). Identifiers: Orphanet 536516, Orphanet 610, MedGen C4225313, MONDO:0034022, OMIM 616471.

Allele frequency attached by ClinVar (database versions not stated): gnomAD exomes below 0.00001.

Submission:

Labcorp Genetics (formerly Invitae), Labcorp
Classification: Uncertain significance for Bethlem myopathy 2; Ullrich congenital muscular dystrophy 2. Last evaluated: 2019-01-03. Review status: criteria provided, single submitter. Criteria: Invitae Variant Classification Sherloc (09022015). Collection method: clinical testing. Allele origin: germline.
Comment: This variant is not present in population databases (ExAC no frequency). In summary, the available evidence is currently insufficient to determine the role of this variant in disease. Therefore, it has been classified as a Variant of Uncertain Significance. Algorithms developed to predict the effect of missense changes on protein structure and function (SIFT, PolyPhen-2, Align-GVGD) all suggest that this variant is likely to be tolerated, but these predictions have not been confirmed by published functional studies and their clinical significance is uncertain. This variant has not been reported in the literature in individuals with COL12A1-related conditions. This sequence change replaces methionine with leucine at codon 1530 of the COL12A1 protein (p.Met1530Leu). The methionine residue is weakly conserved and there is a small physicochemical difference between methionine and leucine.

NM_004370.6(COL12A1):c.4588A>T (p.Met1530Leu)

Gene: COL12A1 (collagen type XII alpha 1 chain; minus strand). Cytogenetic location: 6q13.
Variant type: single nucleotide variant.
Coding change: c.4588A>T on transcript NM_004370.6 (MANE Select); coding-DNA position 4588, A replaced by T.
Protein change: p.Met1530Leu; replaces methionine 1530 with leucine.
Molecular consequence: missense variant.
Genome position (GRCh38, 1-based): chr6:75,145,428, T>A on the plus strand (A>T on the coding strand, the complement: COL12A1 is on the minus strand). VCF-style: chr6-75145428-T-A. GRCh37 (hg19) VCF-style: chr6-75855144-T-A.
Other names: c.1096A>T, p.Met366Leu (NM_080645.3); short protein forms M1530L, M366L.
Identifiers: ClinVar variation 845273 (VCV000845273.10), dbSNP rs1226808307, ClinGen allele CA364743164.